The following is an entry in ClinVar:

NM_001379286.1(ZNF423):c.746T>C (p.Met249Thr)

Gene: ZNF423 (zinc finger protein 423; minus strand). Cytogenetic location: 16q12.1.
Variant type: single nucleotide variant.
Coding change: c.746T>C on transcript NM_001379286.1 (MANE Select); coding-DNA position 746, T replaced by C.
Protein change: p.Met249Thr; replaces methionine 249 with threonine.
Molecular consequence: missense variant.
Genome position (GRCh38, 1-based): chr16:49,638,430, A>G on the plus strand (T>C on the coding strand, the complement: ZNF423 is on the minus strand). VCF-style: chr16-49638430-A-G. GRCh37 (hg19) VCF-style: chr16-49672341-A-G.
Other names: c.542T>C, p.Met181Thr (NM_001271620.2); c.371T>C, p.Met124Thr (NM_001330533.2); c.722T>C, p.Met241Thr (NM_015069.5); short protein forms M181T, M124T, M241T, M249T.
Identifiers: ClinVar variation 2847121 (VCV002847121.3), dbSNP rs1019177269, ClinGen allele CA395851628.

ClinVar aggregate classification (germline): Uncertain significance (1 of 4 stars; one submission).

Conditions:
Nephronophthisis 14 (NPHP14). Identifiers: Orphanet 2318, MedGen C3539071, MONDO:0013916, OMIM 614844.

Submission:

Labcorp Genetics (formerly Invitae), Labcorp
Classification: Uncertain significance for Nephronophthisis 14. Last evaluated: 2023-03-18. Review status: criteria provided, single submitter. Criteria: Invitae Variant Classification Sherloc (09022015). Collection method: clinical testing. Allele origin: germline.
Comment: In summary, the available evidence is currently insufficient to determine the role of this variant in disease. Therefore, it has been classified as a Variant of Uncertain Significance. Advanced modeling of protein sequence and biophysical properties (such as structural, functional, and spatial information, amino acid conservation, physicochemical variation, residue mobility, and thermodynamic stability) performed at Invitae indicates that this missense variant is not expected to disrupt ZNF423 protein function. This variant has not been reported in the literature in individuals affected with ZNF423-related conditions. This variant is not present in population databases (gnomAD no frequency). This sequence change replaces methionine, which is neutral and non-polar, with threonine, which is neutral and polar, at codon 241 of the ZNF423 protein (p.Met241Thr).